The following is an entry in ClinVar:

NM_001365536.1(SCN9A):c.1861G>A (p.Ala621Thr)

Genes: SCN9A (sodium voltage-gated channel alpha subunit 9; minus strand), SCN1A-AS1 (SCN1A and SCN9A antisense RNA 1; plus strand). Cytogenetic location: 2q24.3.
Variant type: single nucleotide variant.
Coding change: c.1861G>A on transcript NM_001365536.1 (MANE Select); coding-DNA position 1861, G replaced by A.
Protein change: p.Ala621Thr; replaces alanine 621 with threonine.
Molecular consequence: missense variant.
Genome position (GRCh38, 1-based): chr2:166,284,566, C>T on the plus strand (G>A on the coding strand, the complement: SCN9A is on the minus strand). VCF-style: chr2-166284566-C-T. GRCh37 (hg19) VCF-style: chr2-167141076-C-T.
Other names: c.1861G>A, p.Ala621Thr (NM_002977.4); short protein forms A621T.
Identifiers: ClinVar variation 2943400 (VCV002943400.3), dbSNP rs2468033244, ClinGen allele CA349082926.
Genomic context (GRCh38, chr2:166,284,566, plus strand): 5'-TGGGGAGCATGAGGGCTGAGCGTCCATCAACCAGGGAGACCACACCGTTGCAGTCCACAG[C>T]ACTGTGCATTTTCCCGTTCACCGGCAGCATTGGTGGGGACCTACTGGCTTGGCTGATGTT-3'
Protein context (NP_001352465.1, residues 611-631): MLPVNGKMHS[Ala621Thr]VDCNGVVSLV

ClinVar aggregate classification (germline): Uncertain significance (1 of 4 stars; one submission).

Conditions:
Neuropathy, hereditary sensory and autonomic, type 2A (HSAN2A). Also called: ACROOSTEOLYSIS, GIACCAI TYPE; ACROOSTEOLYSIS, NEUROGENIC; MORVAN DISEASE; NEUROPATHY, CONGENITAL SENSORY; NEUROPATHY, HEREDITARY SENSORY RADICULAR, AUTOSOMAL RECESSIVE; NEUROPATHY, HEREDITARY SENSORY, TYPE IIA. Identifiers: Orphanet 970, MedGen C2752089, MONDO:0024309, OMIM 201300.
Generalized epilepsy with febrile seizures plus, type 7 (GEFSP7). Also called: GEFS+, TYPE 7. Identifiers: Orphanet 36387, MedGen C2751778, MONDO:0013470, OMIM 613863.

Submission:

Labcorp Genetics (formerly Invitae), Labcorp
Classification: Uncertain significance for Neuropathy, hereditary sensory and autonomic, type 2A; Generalized epilepsy with febrile seizures plus, type 7. Last evaluated: 2023-10-08. Review status: criteria provided, single submitter. Criteria: Invitae Variant Classification Sherloc (09022015). Collection method: clinical testing. Allele origin: germline.
Comment: This sequence change replaces alanine, which is neutral and non-polar, with threonine, which is neutral and polar, at codon 621 of the SCN9A protein (p.Ala621Thr). This variant is not present in population databases (gnomAD no frequency). This variant has not been reported in the literature in individuals affected with SCN9A-related conditions. Advanced modeling of protein sequence and biophysical properties (such as structural, functional, and spatial information, amino acid conservation, physicochemical variation, residue mobility, and thermodynamic stability) performed at Invitae indicates that this missense variant is not expected to disrupt SCN9A protein function. In summary, the available evidence is currently insufficient to determine the role of this variant in disease. Therefore, it has been classified as a Variant of Uncertain Significance.